The following is an entry in ClinVar:

NM_001083962.2(TCF4):c.979G>C (p.Ala327Pro)

Gene: TCF4 (transcription factor 4; minus strand). Cytogenetic location: 18q21.2.
Variant type: single nucleotide variant.
Coding change: c.979G>C on transcript NM_001083962.2 (MANE Select); coding-DNA position 979, G replaced by C.
Protein change: p.Ala327Pro; replaces alanine 327 with proline.
Molecular consequence: missense variant.
Genome position (GRCh38, 1-based): chr18:55,261,477, C>G on the plus strand (G>C on the coding strand, the complement: TCF4 is on the minus strand). VCF-style: chr18-55261477-C-G. GRCh37 (hg19) VCF-style: chr18-52928708-C-G.
Other names: c.1285G>C, p.Ala429Pro (NM_001243226.3); c.907G>C, p.Ala303Pro (NM_001243227.2, NM_001306207.1, NM_001348217.1 and 9 more transcripts); c.997G>C, p.Ala333Pro (NM_001243228.2); c.973G>C, p.Ala325Pro (NM_001243230.2); c.853G>C, p.Ala285Pro (NM_001243231.2, NM_001348211.2); c.766G>C, p.Ala256Pro (NM_001243232.1, NM_001306208.1); c.589G>C, p.Ala197Pro (NM_001243233.2, NM_001330605.3, NM_001348212.2 and 1 more transcripts); c.499G>C, p.Ala167Pro (NM_001243234.2, NM_001243235.2, NM_001243236.2 and 2 more transcripts); and 4 more; short protein forms A111P, A167P, A197P, A256P, A285P, A302P, A303P, A325P.
Identifiers: ClinVar variation 1878898 (VCV001878898.1), dbSNP rs2512294670, ClinGen allele CA402535063.

ClinVar aggregate classification (germline): Uncertain significance (1 of 4 stars; one submission).

Submission:

GeneDx
Classification: Uncertain significance. Last evaluated: 2022-07-15. Review status: criteria provided, single submitter. Criteria: GeneDx Variant Classification Process June 2021. Collection method: clinical testing. Allele origin: germline. Affected: yes.
Comment: Not observed at significant frequency in large population cohorts (gnomAD); In silico analysis supports that this missense variant has a deleterious effect on protein structure/function; Has not been previously published as pathogenic or benign to our knowledge